The following is an entry in ClinVar:

NM_001134831.2(AHI1):c.3485+13_3485+15del

Gene: AHI1 (Abelson helper integration site 1; minus strand). Cytogenetic location: 6q23.3.
Variant type: Microsatellite.
Coding change: c.3485+13_3485+15del on transcript NM_001134831.2 (MANE Select); bases 13 to 15 of the intron after coding-DNA position 3485, 3 bases deleted (TTC; older notation c.3485+13_3485+15delTTC).
Molecular consequence: intron variant.
Genome position (GRCh38, 1-based): chr6:135,300,485-135,300,487, GAA deleted on the plus strand (TTC on the coding strand, the reverse complement: AHI1 is on the minus strand); deleting any 3 consecutive bases within chr6:135,300,485-135,300,491 gives the same sequence; the c. name uses the placement nearest the transcript's 3' end. VCF-style (leftmost placement, unchanged base first): chr6-135300484-TGAA-T. GRCh37 (hg19) VCF-style: chr6-135621622-TGAA-T.
Other names: c.3485+13_3485+15delTTC (NM_017651.4); c.3485+13_3485+15del (NM_001134830.2, NM_001350503.2, NM_017651.5 and 1 more transcripts).
Identifiers: ClinVar variation 260857 (VCV000260857.10), dbSNP rs540849894, ClinGen allele CA4011989.
Genomic context (GRCh38, chr6:135,300,484, plus strand): 5'-AAGAAATGGAGAAATTATCCTTAAAAGAAAACCCCAACCATTTATCACTGCAAATTATTT[TGAA>T]GAAGTTGCTTACTGTGTCATAGATTCTGAGCCTAGTCTGAAGTCCTGGGACTTGTTCTTA-3'

ClinVar aggregate classification (germline): Benign/Likely benign. Review status: criteria provided, multiple submitters, no conflicts (2 of 4 stars). 4 submissions from 4 submitters: Benign (3); Likely benign (1). Last evaluated 2026-02-02.

Conditions:
Joubert syndrome. Also called: Familial aplasia of the vermis; JOUBERT-BOLTSHAUSER SYNDROME. Identifiers: Orphanet 475, MedGen C5979921, MONDO:0018772.

Submissions (4):

Labcorp Genetics (formerly Invitae), Labcorp
Classification: Benign for Joubert syndrome. Last evaluated: 2026-02-02. Review status: criteria provided, single submitter. Criteria: Invitae Variant Classification Sherloc (09022015). Collection method: clinical testing. Allele origin: germline.

Blueprint Genetics
Classification: Likely benign. Last evaluated: 2024-11-26. Review status: criteria provided, single submitter. Criteria: ACMG Guidelines, 2015. Collection method: clinical testing. Allele origin: germline.

GeneDx
Classification: Benign. Last evaluated: 2015-06-24. Review status: criteria provided, single submitter. Criteria: GeneDx Variant Classification (06012015). Collection method: clinical testing. Allele origin: germline. Affected: yes.
Comment: This variant is considered likely benign or benign based on one or more of the following criteria: it is a conservative change, it occurs at a poorly conserved position in the protein, it is predicted to be benign by multiple in silico algorithms, and/or has population frequency not consistent with disease.

PreventionGenetics, part of Exact Sciences
Classification: Benign. Review status: criteria provided, single submitter. Criteria: ACMG Guidelines, 2015. Collection method: clinical testing. Allele origin: germline.